The following is an entry in ClinVar:

NM_152393.4(KLHL40):c.86A>G (p.His29Arg)

Gene: KLHL40 (kelch like family member 40; plus strand). Cytogenetic location: 3p22.1.
Variant type: single nucleotide variant.
Coding change: c.86A>G on transcript NM_152393.4 (MANE Select); coding-DNA position 86, A replaced by G.
Protein change: p.His29Arg; replaces histidine 29 with arginine.
Molecular consequence: missense variant.
Genome position (GRCh38, 1-based): chr3:42,685,704, A>G. VCF-style: chr3-42685704-A-G. GRCh37 (hg19) VCF-style: chr3-42727196-A-G.
Other names: c.86A>G (NM_152393.2); short protein forms H29R.
Identifiers: ClinVar variation 954186 (VCV000954186.5), dbSNP rs375788187, ClinGen allele CA74191597.

ClinVar aggregate classification (germline): Uncertain significance. Review status: criteria provided, multiple submitters, no conflicts (2 of 4 stars). 2 submissions from 2 submitters: Uncertain significance (2). Last evaluated 2025-08-26.

Conditions:
Inborn genetic diseases. Identifiers: MedGen C0950123, MeSH D030342.
Nemaline myopathy 8 (NEM8). Also called: Nemaline myopathy 8, autosomal recessive. Identifiers: Orphanet 171430, MedGen C3809209, MONDO:0014138, OMIM 615348.

Allele frequency attached by ClinVar (database versions not stated): gnomAD exomes below 0.00001 and 0.00001; gnomAD 0.00001; TOPMed 0.00001; ESP Exome Variant Server 0.00008.
gnomAD v4.1: 20 of 1,613,128 alleles (0.0012%); highest among the groups gnomAD compares: Admixed American, 0.0017%; no homozygotes.

Submissions (2):

Ambry Genetics
Classification: Uncertain significance for Inborn genetic diseases. Last evaluated: 2025-08-26. Review status: criteria provided, single submitter. Criteria: Ambry Variant Classification Scheme 2023. Collection method: clinical testing. Allele origin: germline.

Labcorp Genetics (formerly Invitae), Labcorp
Classification: Uncertain significance for Nemaline myopathy 8. Last evaluated: 2022-09-06. Review status: criteria provided, single submitter. Criteria: Invitae Variant Classification Sherloc (09022015). Collection method: clinical testing. Allele origin: germline.
Comment: In summary, the available evidence is currently insufficient to determine the role of this variant in disease. Therefore, it has been classified as a Variant of Uncertain Significance. Algorithms developed to predict the effect of missense changes on protein structure and function are either unavailable or do not agree on the potential impact of this missense change (SIFT: "Deleterious"; PolyPhen-2: "Possibly Damaging"; Align-GVGD: "Class C0"). ClinVar contains an entry for this variant (Variation ID: 954186). This variant has not been reported in the literature in individuals affected with KLHL40-related conditions. This variant is present in population databases (rs375788187, gnomAD 0.003%). This sequence change replaces histidine, which is basic and polar, with arginine, which is basic and polar, at codon 29 of the KLHL40 protein (p.His29Arg).